The following is an entry in ClinVar:

NM_003072.5(SMARCA4):c.1909G>T (p.Gly637Trp)

Gene: SMARCA4 (SWI/SNF related BAF chromatin remodeling complex subunit ATPase 4; plus strand). Cytogenetic location: 19p13.2.
Variant type: single nucleotide variant.
Coding change: c.1909G>T on transcript NM_003072.5 (MANE Select); coding-DNA position 1909, G replaced by T.
Protein change: p.Gly637Trp; replaces glycine 637 with tryptophan.
Molecular consequence: missense variant. On other transcripts: non-coding transcript variant (1).
Genome position (GRCh38, 1-based): chr19:11,003,125, G>T. VCF-style: chr19-11003125-G-T. GRCh37 (hg19) VCF-style: chr19-11113801-G-T.
Other names: c.1909G>T, p.Gly637Trp (NM_001128844.3, NM_001128845.2, NM_001128846.2 and 5 more transcripts); short protein forms G637W.
Identifiers: ClinVar variation 1388021 (VCV001388021.6), dbSNP rs917552239, ClinGen allele CA404051652.

ClinVar aggregate classification (germline): Uncertain significance (1 of 4 stars; one submission).

Conditions:
Rhabdoid tumor predisposition syndrome 2 (RTPS2). Identifiers: Orphanet 231108, Orphanet 69077, MedGen C2750074, MONDO:0013224, OMIM 613325.

Submission:

Labcorp Genetics (formerly Invitae), Labcorp
Classification: Uncertain significance for Rhabdoid tumor predisposition syndrome 2. Last evaluated: 2024-09-15. Review status: criteria provided, single submitter. Criteria: Invitae Variant Classification Sherloc (09022015). Collection method: clinical testing. Allele origin: germline.
Comment: This sequence change replaces glycine, which is neutral and non-polar, with tryptophan, which is neutral and slightly polar, at codon 637 of the SMARCA4 protein (p.Gly637Trp). This variant is not present in population databases (gnomAD no frequency). This variant has not been reported in the literature in individuals affected with SMARCA4-related conditions. ClinVar contains an entry for this variant (Variation ID: 1388021). Invitae Evidence Modeling of protein sequence and biophysical properties (such as structural, functional, and spatial information, amino acid conservation, physicochemical variation, residue mobility, and thermodynamic stability) indicates that this missense variant is not expected to disrupt SMARCA4 protein function with a negative predictive value of 95%. In summary, the available evidence is currently insufficient to determine the role of this variant in disease. Therefore, it has been classified as a Variant of Uncertain Significance.